The following is an entry in ClinVar:

NM_006904.7(PRKDC):c.230A>T (p.Glu77Val)

Gene: PRKDC (protein kinase, DNA-activated, catalytic subunit; minus strand). Cytogenetic location: 8q11.21.
Variant type: single nucleotide variant.
Coding change: c.230A>T on transcript NM_006904.7 (MANE Select); coding-DNA position 230, A replaced by T.
Protein change: p.Glu77Val; replaces glutamic acid 77 with valine.
Molecular consequence: missense variant.
Genome position (GRCh38, 1-based): chr8:47,957,356, T>A on the plus strand (A>T on the coding strand, the complement: PRKDC is on the minus strand). VCF-style: chr8-47957356-T-A. GRCh37 (hg19) VCF-style: chr8-48869916-T-A.
Other names: c.230A>T, p.Glu77Val (NM_001081640.2); short protein forms E77V.
Identifiers: ClinVar variation 2449846 (VCV002449846.2), dbSNP rs2551882371, ClinGen allele CA371141372.

ClinVar aggregate classification (germline): Uncertain significance (1 of 4 stars; one submission).

Submission:

Ambry Genetics
Classification: Uncertain significance. Last evaluated: 2022-12-23. Review status: criteria provided, single submitter. Criteria: Ambry Variant Classification Scheme 2023. Collection method: clinical testing. Allele origin: germline.
Comment: The p.E77V variant (also known as c.230A>T), located in coding exon 2 of the PRKDC gene, results from an A to T substitution at nucleotide position 230. The glutamic acid at codon 77 is replaced by valine, an amino acid with dissimilar properties. This amino acid position is conserved. In addition, the in silico prediction for this alteration is inconclusive. Since supporting evidence is limited at this time, the clinical significance of this alteration remains unclear.